The following is an entry in ClinVar:

ClinVar aggregate classification (germline): Uncertain significance (1 of 4 stars; one submission).

Conditions:
Multiple gastrointestinal atresias. Also called: FAMILIAL INTESTINAL POLYATRESIA SYNDROME; Multiple intestinal atresia. Identifiers: Orphanet 2300, MedGen C0220744, MONDO:0009465.

Submission:

Labcorp Genetics (formerly Invitae), Labcorp
Classification: Uncertain significance for Multiple gastrointestinal atresias. Last evaluated: 2022-02-06. Review status: criteria provided, single submitter. Criteria: Invitae Variant Classification Sherloc (09022015). Collection method: clinical testing. Allele origin: germline.
Comment: In summary, the available evidence is currently insufficient to determine the role of this variant in disease. Therefore, it has been classified as a Variant of Uncertain Significance. Algorithms developed to predict the effect of missense changes on protein structure and function are either unavailable or do not agree on the potential impact of this missense change (SIFT: "Tolerated"; PolyPhen-2: "Probably Damaging"; Align-GVGD: "Class C0"). ClinVar contains an entry for this variant (Variation ID: 951709). This variant has not been reported in the literature in individuals affected with TTC7A-related conditions. This variant is not present in population databases (gnomAD no frequency). This sequence change replaces methionine, which is neutral and non-polar, with isoleucine, which is neutral and non-polar, at codon 398 of the TTC7A protein (p.Met398Ile).

NM_020458.4(TTC7A):c.1194G>T (p.Met398Ile)

Gene: TTC7A (tetratricopeptide repeat domain 7A; plus strand). Cytogenetic location: 2p21.
Variant type: single nucleotide variant.
Coding change: c.1194G>T on transcript NM_020458.4 (MANE Select); coding-DNA position 1194, G replaced by T.
Protein change: p.Met398Ile; replaces methionine 398 with isoleucine.
Molecular consequence: missense variant.
Genome position (GRCh38, 1-based): chr2:47,006,050, G>T. VCF-style: chr2-47006050-G-T. GRCh37 (hg19) VCF-style: chr2-47233189-G-T.
Other names: c.1194G>T, p.Met398Ile (NM_001288951.2); c.1092G>T, p.Met364Ile (NM_001288953.2); c.132G>T, p.Met44Ile (NM_001288955.2); short protein forms M398I, M44I, M364I.
Identifiers: ClinVar variation 951709 (VCV000951709.10), dbSNP rs1677341409, ClinGen allele CA346714322.